The following is an entry in ClinVar:

ClinVar aggregate classification (germline): Uncertain significance (1 of 4 stars; one submission).

Conditions:
Intellectual developmental disorder, autosomal recessive 37. Also called: Intellectual disability-hypotonia-spasticity-sleep disorder syndrome. Identifiers: Orphanet 356996, MedGen C3809672, MONDO:0014210, OMIM 615493.

Submission:

Neuberg Centre For Genomic Medicine, NCGM
Classification: Uncertain significance for Intellectual developmental disorder, autosomal recessive 37. Review status: criteria provided, single submitter. Criteria: ACMG Guidelines, 2015. Collection method: clinical testing. Allele origin: germline. Inheritance: Autosomal recessive inheritance. Affected: yes. Observed: 1 heterozygote.
Comment: The missense c.1495G>T (p.Asp499Tyr) variant in ANK3 gene has not been reported previously as a pathogenic variant nor as a benign variant, to our knowledge. This variant is novel (not in any individuals) in gnomAD Exomes and 1000 Genomes. The amino acid Asp at position 499 is changed to a Tyr changing protein sequence and it might alter its composition and physico-chemical properties. The amino acid change p.Asp499Tyr in ANK3 is predicted as conserved by GERP++ and PhyloP across 100 vertebrates. The variant is predicted as damaging by SIFT. For these reasons, this variant has been classified as Uncertain Significance.

NM_020987.5(ANK3):c.1495G>T (p.Asp499Tyr)

Gene: ANK3 (ankyrin 3; minus strand). Cytogenetic location: 10q21.2.
Variant type: single nucleotide variant.
Coding change: c.1495G>T on transcript NM_020987.5 (MANE Select); coding-DNA position 1495, G replaced by T.
Protein change: p.Asp499Tyr; replaces aspartic acid 499 with tyrosine.
Molecular consequence: missense variant.
Genome position (GRCh38, 1-based): chr10:60,198,534, C>A on the plus strand (G>T on the coding strand, the complement: ANK3 is on the minus strand). VCF-style: chr10-60198534-C-A. GRCh37 (hg19) VCF-style: chr10-61958292-C-A.
Other names: c.1477G>T, p.Asp493Tyr (NM_001204403.2); c.1444G>T, p.Asp482Tyr (NM_001204404.2); c.1495G>T, p.Asp499Tyr (NM_001320874.2); short protein forms D499Y, D482Y, D493Y.
Identifiers: ClinVar variation 3024109 (VCV003024109.1), dbSNP rs2493376529, ClinGen allele CA376990087.